The following is an entry in ClinVar:

ClinVar aggregate classification (germline): Uncertain significance (1 of 4 stars; one submission).

Conditions:
Alagille syndrome due to a NOTCH2 point mutation. Also called: Alagille syndrome 2. Identifiers: Orphanet 261629, Orphanet 52, MedGen C1857761, MONDO:0012439, OMIM 610205.
Hajdu-Cheney syndrome (HJCYS). Also called: ACROOSTEOLYSIS WITH OSTEOPOROSIS AND CHANGES IN SKULL AND MANDIBLE; SERPENTINE FIBULA-POLYCYSTIC KIDNEY SYNDROME; Acroosteolysis dominant type. Identifiers: Orphanet 955, MedGen C0917715, MONDO:0007057, OMIM 102500.

Submission:

Clinical Genomics Laboratory, Washington University in St. Louis
Classification: Uncertain significance for Hajdu-Cheney syndrome; Alagille syndrome due to a NOTCH2 point mutation. Last evaluated: 2025-04-10. Review status: criteria provided, single submitter. Criteria: ACMG Guidelines, 2015. Collection method: clinical testing. Allele origin: germline.
Comment: The NOTCH2 c.4103G>T (p.Cys1368Phe) variant, to our knowledge, has not been reported in the medical literature. This variant is absent from the general population (gnomAD v.2.1.1), indicating it is not a common variant. Computational predictors indicate that the variant is damaging, evidence that correlates with impact to NOTCH2 function. Due to limited information, and based on ACMG/AMP guidelines for variant interpretation (Richards S et al., PMID: 25741868), the clinical significance of this variant is uncertain at this time.

NM_024408.4(NOTCH2):c.4103G>T (p.Cys1368Phe)

Gene: NOTCH2 (notch receptor 2; minus strand). Cytogenetic location: 1p12.
Variant type: single nucleotide variant.
Coding change: c.4103G>T on transcript NM_024408.4 (MANE Select); coding-DNA position 4103, G replaced by T.
Protein change: p.Cys1368Phe; replaces cysteine 1368 with phenylalanine.
Molecular consequence: missense variant.
Genome position (GRCh38, 1-based): chr1:119,925,713, C>A on the plus strand (G>T on the coding strand, the complement: NOTCH2 is on the minus strand). VCF-style: chr1-119925713-C-A. GRCh37 (hg19) VCF-style: chr1-120468336-C-A.
Other names: short protein forms C1368F.
Identifiers: ClinVar variation 4279742 (VCV004279742.1).
Genomic context (GRCh38, chr1:119,925,713, plus strand): 5'-CTGCCCCCGTGCTGGCAGGGGCTACTGGCACAGCCTGACTCGCAGTCCCGGGGACTGGGG[C>A]AGAAGCAGCGGGGTCCAGAGGCGGTGTGCACACACTGCTCCCCCTTCCTACATTTCACTT-3'
Protein context (NP_077719.2, residues 1358-1378): VHTASGPRCF[Cys1368Phe]PSPRDCESGC